The following is an entry in ClinVar:

ClinVar aggregate classification (germline): Conflicting classifications of pathogenicity. Review status: criteria provided, conflicting classifications (1 of 4 stars). 4 submissions from 4 submitters: Uncertain significance (3); Likely benign (1). Last evaluated 2025-08-11.

Conditions:
Familial colorectal cancer type X. Identifiers: Orphanet 440437, MedGen C3896578, MONDO:0018604.
Polymerase proofreading-related adenomatous polyposis. Also called: Polymerase proofreading associated polyposis; Polymerase proofreading–associated polyposis (PPAP). Identifiers: Orphanet 447877, MedGen C5202613, MONDO:0018653.
Hereditary cancer-predisposing syndrome. Also called: Hereditary neoplastic syndrome; Hereditary Cancer Syndrome; Tumor predisposition; Neoplastic Syndromes, Hereditary. Identifiers: Orphanet 140162, MedGen C0027672, MeSH D009386, MONDO:0015356.

Allele frequency attached by ClinVar (database versions not stated): gnomAD 0.00001; gnomAD exomes 0.00002 and 0.00005; ExAC 0.00007; 1000 Genomes Project 0.00020; 1000 Genomes Project 30x 0.00031.
gnomAD v4.1: 31 of 1,613,476 alleles (0.0019%); highest among the groups gnomAD compares: South Asian, 0.032%; 1 homozygote.

Submissions (4):

Labcorp Genetics (formerly Invitae), Labcorp
Classification: Likely benign. Last evaluated: 2025-08-11. Review status: criteria provided, single submitter. Criteria: Invitae Variant Classification Sherloc (09022015). Collection method: clinical testing. Allele origin: germline.

Ambry Genetics
Classification: Uncertain significance for Hereditary cancer-predisposing syndrome. Last evaluated: 2025-01-23. Review status: criteria provided, single submitter. Criteria: Ambry Variant Classification Scheme 2023. Collection method: clinical testing. Allele origin: germline.
Comment: The p.V1621G variant (also known as c.4862T>G), located in coding exon 37 of the POLE gene, results from a T to G substitution at nucleotide position 4862. The valine at codon 1621 is replaced by glycine, an amino acid with dissimilar properties. This amino acid position is well conserved in available vertebrate species. In addition, the in silico prediction for this alteration is inconclusive. Based on the available evidence, the clinical significance of this variant remains unclear.

GeneDx
Classification: Uncertain significance. Last evaluated: 2023-01-19. Review status: criteria provided, single submitter. Criteria: GeneDx Variant Classification Process June 2021. Collection method: clinical testing. Allele origin: germline. Affected: yes.
Comment: In silico analysis supports that this missense variant does not alter protein structure/function; Has not been previously published as pathogenic or benign to our knowledge

Department of Pathology and Laboratory Medicine, Sinai Health System
Classification: Uncertain significance for Polymerase proofreading-related adenomatous polyposis; Familial colorectal cancer type X. Last evaluated: 2019-12-11. Review status: criteria provided, single submitter. Criteria: ACMG Guidelines, 2015. Collection method: clinical testing. Allele origin: germline. Affected: yes.

NM_006231.4(POLE):c.4862T>G (p.Val1621Gly)

Gene: POLE (DNA polymerase epsilon, catalytic subunit; minus strand). Cytogenetic location: 12q24.33.
Variant type: single nucleotide variant.
Coding change: c.4862T>G on transcript NM_006231.4 (MANE Select); coding-DNA position 4862, T replaced by G.
Protein change: p.Val1621Gly; replaces valine 1621 with glycine.
Molecular consequence: missense variant.
Genome position (GRCh38, 1-based): chr12:132,642,596, A>C on the plus strand (T>G on the coding strand, the complement: POLE is on the minus strand). VCF-style: chr12-132642596-A-C. GRCh37 (hg19) VCF-style: chr12-133219182-A-C.
Other names: c.4862T>G (NM_006231.3); short protein forms V1621G.
Identifiers: ClinVar variation 1137945 (VCV001137945.13), dbSNP rs534387116, ClinGen allele CA6892695.
Genomic context (GRCh38, chr12:132,642,596, plus strand): 5'-GTGTCCAGGTTGAGGTAGTGACGGATCATGCGCCGGGCTCCATGGCGCTGCCAGTCCAGG[A>C]CCCCATAGTTGATCTTGTCAGCCACACAGATAGGCACCAGTGGGAATTCCTCCAAGACAG-3'
Protein context (NP_006222.2, residues 1611-1631): ICVADKINYG[Val1621Gly]LDWQRHGARR